The following is an entry in ClinVar:

NM_000489.6(ATRX):c.1233A>T (p.Glu411Asp)

Gene: ATRX (ATRX chromatin remodeler; minus strand). Cytogenetic location: Xq21.1.
Variant type: single nucleotide variant.
Coding change: c.1233A>T on transcript NM_000489.6 (MANE Select); coding-DNA position 1233, A replaced by T.
Protein change: p.Glu411Asp; replaces glutamic acid 411 with aspartic acid.
Molecular consequence: missense variant.
Genome position (GRCh38, 1-based): chrX:77,684,023, T>A on the plus strand (A>T on the coding strand, the complement: ATRX is on the minus strand). VCF-style: chrX-77684023-T-A. GRCh37 (hg19) VCF-style: chrX-76939515-T-A.
Other names: c.1119A>T, p.Glu373Asp (NM_138270.5); short protein forms E373D, E411D.
Identifiers: ClinVar variation 2173705 (VCV002173705.4), dbSNP rs1319726059, ClinGen allele CA413718972.

ClinVar aggregate classification (germline): Uncertain significance (1 of 4 stars; one submission).

Conditions:
Alpha thalassemia-X-linked intellectual disability syndrome (ATRX). Also called: ALPHA-THALASSEMIA/MENTAL RETARDATION SYNDROME, X-LINKED; ATR, NONDELETION TYPE; ATR-X syndrome; Alpha thalassemia mental retardation syndrome, nondeletion type, X-linked; XLMR hypotonic face syndrome; X-linked alpha-thalassemia-mental retardation syndrome. Identifiers: Orphanet 847, MedGen C1845055, MONDO:0010519, OMIM 301040.

Allele frequency attached by ClinVar (database versions not stated): TOPMed below 0.00001; gnomAD 0.00003.
gnomAD v4.1: 3 of 1,204,129 alleles (0.00025%); highest among the groups gnomAD compares: African/African-American, 0.0052%; no homozygotes.

Submission:

Labcorp Genetics (formerly Invitae), Labcorp
Classification: Uncertain significance for Alpha thalassemia-X-linked intellectual disability syndrome. Last evaluated: 2022-07-19. Review status: criteria provided, single submitter. Criteria: Invitae Variant Classification Sherloc (09022015). Collection method: clinical testing. Allele origin: germline.
Comment: In summary, the available evidence is currently insufficient to determine the role of this variant in disease. Therefore, it has been classified as a Variant of Uncertain Significance. Advanced modeling of protein sequence and biophysical properties (such as structural, functional, and spatial information, amino acid conservation, physicochemical variation, residue mobility, and thermodynamic stability) performed at Invitae indicates that this missense variant is not expected to disrupt ATRX protein function. This variant has not been reported in the literature in individuals affected with ATRX-related conditions. This variant is not present in population databases (gnomAD no frequency). This sequence change replaces glutamic acid, which is acidic and polar, with aspartic acid, which is acidic and polar, at codon 411 of the ATRX protein (p.Glu411Asp).